The following is an entry in ClinVar:

ClinVar aggregate classification (germline): Uncertain significance (1 of 4 stars; one submission).

Submission:

Ambry Genetics
Classification: Uncertain significance. Last evaluated: 2025-08-02. Review status: criteria provided, single submitter. Criteria: Ambry Variant Classification Scheme 2023. Collection method: clinical testing. Allele origin: germline.
Comment: The p.E136D variant (also known as c.408A>T), located in coding exon 3 of the GEN1 gene, results from an A to T substitution at nucleotide position 408. The glutamic acid at codon 136 is replaced by aspartic acid, an amino acid with highly similar properties. This amino acid position is conserved. In addition, the in silico prediction for this alteration is inconclusive. Based on the available evidence, the clinical significance of this variant remains unclear.

NM_001130009.3(GEN1):c.408A>T (p.Glu136Asp)

Gene: GEN1 (GEN1 Holliday junction 5' flap endonuclease; plus strand). Cytogenetic location: 2p24.2.
Variant type: single nucleotide variant.
Coding change: c.408A>T on transcript NM_001130009.3 (MANE Select); coding-DNA position 408, A replaced by T.
Protein change: p.Glu136Asp; replaces glutamic acid 136 with aspartic acid.
Molecular consequence: missense variant.
Genome position (GRCh38, 1-based): chr2:17,764,956, A>T. VCF-style: chr2-17764956-A-T. GRCh37 (hg19) VCF-style: chr2-17946223-A-T.
Other names: c.408A>T, p.Glu136Asp (NM_182625.5); short protein forms E136D.
Identifiers: ClinVar variation 4263056 (VCV004263056.1).